The following is an entry in ClinVar:

NM_024675.4(PALB2):c.2416C>A (p.Pro806Thr)

Gene: PALB2 (partner and localizer of BRCA2; minus strand). Cytogenetic location: 16p12.2.
Variant type: single nucleotide variant.
Coding change: c.2416C>A on transcript NM_024675.4 (MANE Select); coding-DNA position 2416, C replaced by A.
Protein change: p.Pro806Thr; replaces proline 806 with threonine.
Molecular consequence: missense variant. On other transcripts: intron variant (1).
Genome position (GRCh38, 1-based): chr16:23,629,738, G>T on the plus strand (C>A on the coding strand, the complement: PALB2 is on the minus strand). VCF-style: chr16-23629738-G-T. GRCh37 (hg19) VCF-style: chr16-23641059-G-T.
Other names: c.1531C>A, p.Pro511Thr (NM_001407307.1, NM_001407308.1, NM_001407309.1 and 5 more transcripts); c.628C>A, p.Pro210Thr (NM_001407312.1, NM_001407313.1); c.49-463C>A (NM_001407314.1); c.2356C>A, p.Pro786Thr (NM_001407296.1); c.2416C>A, p.Pro806Thr (NM_001407297.1, NM_001407298.1, NM_001407299.1 and 3 more transcripts); short protein forms P210T, P511T, P786T, P806T.
Identifiers: ClinVar variation 2765308 (VCV002765308.3), dbSNP rs1966856450, ClinGen allele CA395124352.

ClinVar aggregate classification (germline): Uncertain significance (1 of 4 stars; one submission).

Conditions:
Familial cancer of breast. Also called: Hereditary breast cancer; BREAST CANCER, FAMILIAL; hereditary breast carcinoma. Identifiers: Orphanet 227535, MedGen C0346153, MONDO:0016419, OMIM 114480. Disease mechanism: loss of function.

Submission:

Labcorp Genetics (formerly Invitae), Labcorp
Classification: Uncertain significance for Familial cancer of breast. Last evaluated: 2023-06-04. Review status: criteria provided, single submitter. Criteria: Invitae Variant Classification Sherloc (09022015). Collection method: clinical testing. Allele origin: germline.
Comment: This sequence change replaces proline, which is neutral and non-polar, with threonine, which is neutral and polar, at codon 806 of the PALB2 protein (p.Pro806Thr). In summary, the available evidence is currently insufficient to determine the role of this variant in disease. Therefore, it has been classified as a Variant of Uncertain Significance. Advanced modeling of protein sequence and biophysical properties (such as structural, functional, and spatial information, amino acid conservation, physicochemical variation, residue mobility, and thermodynamic stability) performed at Invitae indicates that this missense variant is not expected to disrupt PALB2 protein function. This variant has not been reported in the literature in individuals affected with PALB2-related conditions. This variant is not present in population databases (gnomAD no frequency).